The following is an entry in ClinVar:

NM_021815.5(SLC5A7):c.742-3C>T

Gene: SLC5A7 (solute carrier family 5 member 7; plus strand). Cytogenetic location: 2q12.3.
Variant type: single nucleotide variant.
Coding change: c.742-3C>T on transcript NM_021815.5 (MANE Select); 3 bases into the intron before coding-DNA position 742, C replaced by T.
Molecular consequence: intron variant.
Genome position (GRCh38, 1-based): chr2:108,006,046, C>T. VCF-style: chr2-108006046-C-T. GRCh37 (hg19) VCF-style: chr2-108622502-C-T.
Other names: c.1-3C>T (NM_001305007.3); c.742-3C>T (NM_001305005.3); c.427-3C>T (NM_001305006.3).
Identifiers: ClinVar variation 1051095 (VCV001051095.5), dbSNP rs995989817, ClinGen allele CA53968854.

ClinVar aggregate classification (germline): Uncertain significance (1 of 4 stars; one submission).

Conditions:
Congenital myasthenic syndrome 20. Also called: Myasthenic syndrome, congenital, 20, presynaptic. Identifiers: MedGen C4310694, MONDO:0014939, OMIM 617143.
Neuronopathy, distal hereditary motor, type 7A. Also called: SPINAL MUSCULAR ATROPHY, DISTAL, WITH VOCAL CORD PARALYSIS; Neuronopathy, distal hereditary motor, type viia; NEURONOPATHY, DISTAL HEREDITARY MOTOR, HARDING TYPE VIIA; NEUROPATHY, DISTAL HEREDITARY MOTOR, HARDING TYPE VIIA; Neuronopathy, distal hereditary motor, autosomal dominant 7; HARPER-YOUNG MYOPATHY. Identifiers: Orphanet 139589, MedGen C1834703, MONDO:0008024, OMIM 158580.

Submission:

Labcorp Genetics (formerly Invitae), Labcorp
Classification: Uncertain significance for Neuronopathy, distal hereditary motor, type 7A; Congenital myasthenic syndrome 20. Last evaluated: 2022-10-25. Review status: criteria provided, single submitter. Criteria: Invitae Variant Classification Sherloc (09022015). Collection method: clinical testing. Allele origin: germline.
Comment: This sequence change falls in intron 6 of the SLC5A7 gene. It does not directly change the encoded amino acid sequence of the SLC5A7 protein. It affects a nucleotide within the consensus splice site. This variant is not present in population databases (gnomAD no frequency). This variant has not been reported in the literature in individuals affected with SLC5A7-related conditions. ClinVar contains an entry for this variant (Variation ID: 1051095). Variants that disrupt the consensus splice site are a relatively common cause of aberrant splicing (PMID: 17576681, 9536098). Algorithms developed to predict the effect of sequence changes on RNA splicing suggest that this variant may disrupt the consensus splice site. In summary, the available evidence is currently insufficient to determine the role of this variant in disease. Therefore, it has been classified as a Variant of Uncertain Significance.

Literature cited by the submitters: PubMed 17576681; PubMed 9536098.